The following is an entry in ClinVar:

ClinVar aggregate classification (germline): Conflicting classifications of pathogenicity. Review status: criteria provided, conflicting classifications (1 of 4 stars). 9 submissions from 9 submitters: Uncertain significance (8); Likely benign (1). Last evaluated 2026-02-11.

Conditions:
NTHL1-related disorder. Also called: NTHL1-related condition; NTHL1-related conditions.
Familial adenomatous polyposis 3. Also called: NTHL1-Related Adenomatous Polyposis and Colorectal Cancer; NTHL1-associated polyposis; NTHL1-related attenuated familial adenomatous polyposis; NTHL1 Tumor Syndrome. Identifiers: Orphanet 220460, Orphanet 454840, MedGen C4225157, MONDO:0014630, OMIM 616415.
Hereditary cancer-predisposing syndrome. Also called: Tumor predisposition; Hereditary neoplastic syndrome; Hereditary Cancer Syndrome; Neoplastic Syndromes, Hereditary. Identifiers: Orphanet 140162, MedGen C0027672, MeSH D009386, MONDO:0015356.

Allele frequency attached by ClinVar (database versions not stated): ExAC 0.00006; gnomAD 0.00009; TOPMed 0.00009; ESP Exome Variant Server 0.00015.

Submissions (9):

St. Jude Molecular Pathology, St. Jude Children's Research Hospital
Classification: Uncertain significance for Familial adenomatous polyposis 3. Last evaluated: 2026-02-11. Review status: criteria provided, single submitter. Criteria: St. Jude Assertion Criteria 2020. Collection method: clinical testing. Allele origin: germline.
Comment: The NTHL1 c.896C>T p.(Pro299Leu ) missense change has a maximum subpopulation frequency of 0.09% in gnomAD v2.1.1. The in silico tool REVEL predicts a deleterious effect on protein function, but to our knowledge this prediction has not been confirme d by functional studies. To our knowledge, this variant has not been reported in individuals with NTHL1-associated polyposis. In summary, the evidence currently available is insufficient to determine the clinical significance of this variant. It has ther efore been classified as of uncertain significance.

Labcorp Genetics (formerly Invitae), Labcorp
Classification: Uncertain significance. Last evaluated: 2026-01-28. Review status: criteria provided, single submitter. Criteria: Invitae Variant Classification Sherloc (09022015). Collection method: clinical testing. Allele origin: germline.
Comment: This sequence change replaces proline, which is neutral and non-polar, with leucine, which is neutral and non-polar, at codon 307 of the NTHL1 protein (p.Pro307Leu). This variant is present in population databases (rs367629024, gnomAD 0.08%). This variant has not been reported in the literature in individuals affected with NTHL1-related conditions. ClinVar contains an entry for this variant (Variation ID: 663621). An algorithm developed to predict the effect of missense changes on protein structure and function (PolyPhen-2) suggests that this variant is likely to be disruptive. In summary, the available evidence is currently insufficient to determine the role of this variant in disease. Therefore, it has been classified as a Variant of Uncertain Significance.

PreventionGenetics, part of Exact Sciences
Classification: Uncertain significance for NTHL1-related condition. Last evaluated: 2025-12-08. Review status: criteria provided, single submitter. Criteria: ACMG Guidelines, 2015. Collection method: clinical testing. Allele origin: germline.
Comment: The NTHL1 c.920C>T variant is predicted to result in the amino acid substitution p.Pro307Leu. To our knowledge, this variant has not been reported in the literature. This variant is reported in 0.091% of alleles in individuals of East Asian descent in gnomAD and has conflicting interpretations in ClinVar ranging from uncertain to likely benign (Variation ID: 663621). Although we suspect that this variant may be benign, at this time, the clinical significance of this variant is uncertain due to the absence of conclusive functional and genetic evidence.

Quest Diagnostics Nichols Institute San Juan Capistrano
Classification: Uncertain significance. Last evaluated: 2024-08-30. Review status: criteria provided, single submitter. Criteria: Quest Diagnostics criteria. Collection method: clinical testing. Allele origin: unknown.
Comment: The NTHL1 c.920C>T (p.Pro307Leu) variant has been reported in the published literature in an individual affected with breast cancer (PMID: 32091409 (2020)). The frequency of this variant in the general population, 0.0011 (15/14238 chromosomes in Other East Asian subpopulation (Genome Aggregation Database)), is higher than would generally be expected for pathogenic variants in this gene. Analysis of this variant using bioinformatics tools for the prediction of the effect of amino acid changes on protein structure and function yielded conflicting predictions that this variant is benign or damaging. Based on the available information, we are unable to determine the clinical significance of this variant.

Blueprint Genetics
Classification: Uncertain significance. Last evaluated: 2024-08-28. Review status: criteria provided, single submitter. Criteria: ACMG Guidelines, 2015. Collection method: clinical testing. Allele origin: germline.

Baylor Genetics
Classification: Uncertain significance for Familial adenomatous polyposis 3. Last evaluated: 2024-03-21. Review status: criteria provided, single submitter. Criteria: ACMG Guidelines, 2015. Collection method: clinical testing. Allele origin: unknown.

GeneDx
Classification: Uncertain significance. Last evaluated: 2023-02-02. Review status: criteria provided, single submitter. Criteria: GeneDx Variant Classification Process June 2021. Collection method: clinical testing. Allele origin: germline. Affected: yes.
Comment: In silico analysis supports that this missense variant has a deleterious effect on protein structure/function; Has not been previously published as pathogenic or benign to our knowledge; This variant is associated with the following publications: (PMID: 32091409)

Sema4
Classification: Uncertain significance for Hereditary cancer-predisposing syndrome. Last evaluated: 2022-01-26. Review status: criteria provided, single submitter. Criteria: Sema4 Curation Guidelines. Collection method: curation. Allele origin: germline.
Comment: To the best of our knowledge, the NTHL1 c.920C>T (p.P307L) variant has not been reported in individuals with NTHL1-related disease. It was observed in 18/19722 chromosomes of the East Asian subpopulation, with no homozygotes, in the large and broad cohorts of the Genome Aggregation Database (PMID: 32461654) and has been reported in ClinVar (Variation ID 663621). Functional studies have not been performed, and in silico predictions of the variant's effect on protein function are inconclusive. The evidence is insufficient to meet ACMG/AMP criteria for classifying the variant as benign or pathogenic. Thus, the clinical significance of this variant is currently uncertain.

Ambry Genetics
Classification: Likely benign for Hereditary cancer-predisposing syndrome. Last evaluated: 2021-11-11. Review status: criteria provided, single submitter. Criteria: Ambry Variant Classification Scheme 2023. Collection method: clinical testing. Allele origin: germline.

Literature cited by the submitters: PubMed 32091409 (cited by Quest Diagnostics Nichols Institute San Juan Capistrano).

NM_002528.7(NTHL1):c.896C>T (p.Pro299Leu)

Gene: NTHL1 (nth like DNA glycosylase 1; minus strand). Cytogenetic location: 16p13.3.
Variant type: single nucleotide variant.
Coding change: c.896C>T on transcript NM_002528.7 (MANE Select); coding-DNA position 896, C replaced by T.
Protein change: p.Pro299Leu; replaces proline 299 with leucine.
Molecular consequence: missense variant.
Genome position (GRCh38, 1-based): chr16:2,039,943, G>A on the plus strand (C>T on the coding strand, the complement: NTHL1 is on the minus strand). VCF-style: chr16-2039943-G-A. GRCh37 (hg19) VCF-style: chr16-2089944-G-A.
Other names: c.896C>T, p.Pro299Leu (LRG_1366t1); c.725C>T, p.Pro242Leu (NM_001318193.2); c.566C>T, p.Pro189Leu (NM_001318194.2); short protein forms P242L, P189L, P299L.
Identifiers: ClinVar variation 663621 (VCV000663621.27), dbSNP rs367629024, ClinGen allele CA7828067.
Genomic context (GRCh38, chr16:2,039,943, plus strand): 5'-ACGGTGGCCACAGCGGCACCTCGGCCAGAGCCATGCGGCCATCAGAGACCCTGGGCGGCC[G>A]GGCAGAGGGCTTGGTTGAGGCAGGCGTGGCAGCGAGGGTGCACAGGCAGACAGGTCTGCT-3'
Protein context (NP_002519.2, residues 289-304): CHACLNQALC[Pro299Leu]AAQGL